The following is an entry in ClinVar:

NC_000011.9:g.(?_108204603)_(108204705_?)del

Gene: ATM (ATM serine/threonine kinase; plus strand). Cytogenetic location: 11q22.3.
Variant type: Deletion.
Identifiers: ClinVar variation 1069559 (VCV001069559.2).

ClinVar aggregate classification (germline): Pathogenic (1 of 4 stars; one submission).

Conditions:
Ataxia-telangiectasia syndrome (AT). Also called: LOUIS-BAR SYNDROME; Ataxia-telangiectasia, complementation group D; AT, COMPLEMENTATION GROUP C; Cerebello-oculocutaneous telangiectasia; Immunodeficiency with ataxia telangiectasia; ATAXIA-TELANGIECTASIA, COMPLEMENTATION GROUP A. Identifiers: Orphanet 100, MedGen C0004135, MONDO:0008840, OMIM 208900.

Submission:

Labcorp Genetics (formerly Invitae), Labcorp
Classification: Pathogenic for Ataxia-telangiectasia syndrome. Last evaluated: 2022-10-31. Review status: criteria provided, single submitter. Criteria: Invitae Variant Classification Sherloc (09022015). Collection method: clinical testing. Allele origin: germline.
Comment: This variant is a gross deletion of the genomic region encompassing exon(s) 54 of the ATM gene. This deletion is out-of-frame, and is expected to create a premature termination codon and result in an absent or disrupted protein product. Loss-of-function variants in ATM are known to be pathogenic (PMID: 23807571, 25614872). A similar copy number variant has been observed in individual(s) with autosomal recessive ataxia telangiectasia and/or clinical features of ataxia telangiectasia (PMID: 12072877, 26896183). For these reasons, this variant has been classified as Pathogenic.

Literature cited by the submitters: PubMed 23807571; PubMed 25614872; PubMed 12072877; PubMed 26896183.